The following is an entry in ClinVar:

NM_145207.3(AFG2A):c.1073T>G (p.Leu358Ter)

Gene: AFG2A (AAA ATPase AFG2A; plus strand). Cytogenetic location: 4q28.1.
Variant type: single nucleotide variant.
Coding change: c.1073T>G on transcript NM_145207.3 (MANE Select); coding-DNA position 1073, T replaced by G.
Protein change: p.Leu358Ter; replaces leucine 358 with a stop codon.
Molecular consequence: nonsense.
Genome position (GRCh38, 1-based): chr4:122,934,664, T>G. VCF-style: chr4-122934664-T-G. GRCh37 (hg19) VCF-style: chr4-123855819-T-G.
Other names: c.1070T>G, p.Leu357Ter (NM_001317799.2, NM_001345856.2); short protein forms L357*, L358*.
Identifiers: ClinVar variation 1443130 (VCV001443130.5), dbSNP rs1371104950, ClinGen allele CA358103164.
Genomic context (GRCh38, chr4:122,934,664, plus strand): 5'-ATAAAAATTCAAAAGAGCAAGACAACCAATTCAAAGTAACTTATGACATGATAGGAGGAT[T>G]AAGTAGCCAGCTGAAAGCAATTAGAGAAATAATTGAATTGCCCCTCAAACAGCCTGAGCT-3'

ClinVar aggregate classification (germline): Pathogenic (1 of 4 stars; one submission).

Conditions:
Microcephaly-intellectual disability-sensorineural hearing loss-epilepsy-abnormal muscle tone syndrome (NEDHSB). Also called: NEURODEVELOPMENTAL DISORDER WITH HEARING LOSS, SEIZURES, AND BRAIN ABNORMALITIES. Identifiers: Orphanet 457351, MedGen C4225276, MONDO:0014698, OMIM 616577.

Allele frequency attached by ClinVar (database versions not stated): TOPMed 0.00001.

Submission:

Labcorp Genetics (formerly Invitae), Labcorp
Classification: Pathogenic for Microcephaly-intellectual disability-sensorineural hearing loss-epilepsy-abnormal muscle tone syndrome. Last evaluated: 2022-10-28. Review status: criteria provided, single submitter. Criteria: Invitae Variant Classification Sherloc (09022015). Collection method: clinical testing. Allele origin: germline.
Comment: For these reasons, this variant has been classified as Pathogenic. ClinVar contains an entry for this variant (Variation ID: 1443130). This variant has not been reported in the literature in individuals affected with SPATA5-related conditions. This variant is present in population databases (no rsID available, gnomAD 0.01%). This sequence change creates a premature translational stop signal (p.Leu358*) in the SPATA5 gene. It is expected to result in an absent or disrupted protein product. Loss-of-function variants in SPATA5 are known to be pathogenic (PMID: 26299366).

Literature cited by the submitters: PubMed 26299366.